The following is an entry in ClinVar:

NM_001098816.3(TENM4):c.1568C>G (p.Pro523Arg)

Gene: TENM4 (teneurin transmembrane protein 4; minus strand). Cytogenetic location: 11q14.1.
Variant type: single nucleotide variant.
Coding change: c.1568C>G on transcript NM_001098816.3 (MANE Select); coding-DNA position 1568, C replaced by G.
Protein change: p.Pro523Arg; replaces proline 523 with arginine.
Molecular consequence: missense variant.
Genome position (GRCh38, 1-based): chr11:78,854,217, G>C on the plus strand (C>G on the coding strand, the complement: TENM4 is on the minus strand). VCF-style: chr11-78854217-G-C. GRCh37 (hg19) VCF-style: chr11-78565262-G-C.
Other names: c.1568C>G (NM_001098816.2); short protein forms P523R.
Identifiers: ClinVar variation 3025394 (VCV003025394.23), dbSNP rs79508298, ClinGen allele CA6207533.

ClinVar aggregate classification (germline): Benign. Review status: criteria provided, single submitter (1 of 4 stars). 2 submissions from 2 submitters: Benign (1). 1 of the submissions does not count toward it. Last evaluated 2023-12-01.

Conditions:
TENM4-related disorder. Also called: TENM4-related condition.

Allele frequency attached by ClinVar (database versions not stated): ExAC 0.00069; gnomAD 0.00220; TOPMed 0.00234; 1000 Genomes Project 0.00280; 1000 Genomes Project 30x 0.00312.
gnomAD v4.1: 608 of 1,551,598 alleles (0.039%); highest among the groups gnomAD compares: African/African-American, 0.76%; 2 homozygotes.

Submissions (2):

CeGaT Center for Human Genetics Tuebingen
Classification: Benign. Last evaluated: 2023-12-01. Review status: criteria provided, single submitter. Criteria: CeGaT Center For Human Genetics Tuebingen Variant Classification Criteria Version 2. Collection method: clinical testing. Allele origin: germline. Affected: yes. Observed: 1 variant allele.
Comment: TENM4: BP4, BS1, BS2

PreventionGenetics, part of Exact Sciences
Classification: Benign for TENM4-related condition. Last evaluated: 2019-04-29. Review status: no assertion criteria provided. Collection method: clinical testing. Allele origin: germline. Not counted in ClinVar's aggregate classification.
Comment: This variant is classified as benign based on ACMG/AMP sequence variant interpretation guidelines (Richards et al. 2015 PMID: 25741868, with internal and published modifications).